The following is an entry in ClinVar:

NM_144997.7(FLCN):c.-1C>T

Gene: FLCN (folliculin; minus strand). Cytogenetic location: 17p11.2.
Variant type: single nucleotide variant.
Coding change: c.-1C>T on transcript NM_144997.7 (MANE Select); 1 bases upstream of the start codon, C replaced by T.
Molecular consequence: 5 prime UTR variant.
Genome position (GRCh38, 1-based): chr17:17,228,138, G>A on the plus strand (C>T on the coding strand, the complement: FLCN is on the minus strand). VCF-style: chr17-17228138-G-A. GRCh37 (hg19) VCF-style: chr17-17131452-G-A.
Other names: c.-1C>T (NM_001353229.2, NM_001353230.2, NM_001353231.2 and 1 more transcripts).
Identifiers: ClinVar variation 4257929 (VCV004257929.1).

ClinVar aggregate classification (germline): Uncertain significance (1 of 4 stars; one submission).

Conditions:
Hereditary cancer-predisposing syndrome. Also called: Hereditary Cancer Syndrome; Hereditary neoplastic syndrome; Neoplastic Syndromes, Hereditary; Tumor predisposition. Identifiers: Orphanet 140162, MedGen C0027672, MeSH D009386, MONDO:0015356.

gnomAD v4.1: 1 of 1,612,562 alleles (0.000062%); highest among the groups gnomAD compares: Non-Finnish European, 0.000085%; no homozygotes.

Submission:

Ambry Genetics
Classification: Uncertain significance for Hereditary cancer-predisposing syndrome. Last evaluated: 2025-07-29. Review status: criteria provided, single submitter. Criteria: Ambry Variant Classification Scheme 2023. Collection method: clinical testing. Allele origin: germline.
Comment: The c.-1C>T variant is located in the 5' untranslated region (5&rsquo; UTR) of the FLCN gene. This variant results from a C to T substitution 1 bases upstream from the first translated codon. This nucleotide position is well conserved in available vertebrate species. Based on the available evidence, the clinical significance of this variant remains unclear.